The following is an entry in ClinVar:

ClinVar aggregate classification (germline): Uncertain significance (1 of 4 stars; one submission).

Conditions:
Neurofibromatosis, type 1 (NF1). Also called: NEUROFIBROMATOSIS, TYPE I, SOMATIC; Neurofibromatosis, type I; VON RECKLINGHAUSEN DISEASE; Peripheral type neurofibromatosis. Identifiers: Orphanet 636, MedGen C0027831, MONDO:0018975, OMIM 162200. Disease mechanism: loss of function.

Submission:

Labcorp Genetics (formerly Invitae), Labcorp
Classification: Uncertain significance for Neurofibromatosis, type 1. Last evaluated: 2020-07-09. Review status: criteria provided, single submitter. Criteria: Invitae Variant Classification Sherloc (09022015). Collection method: clinical testing. Allele origin: germline.
Comment: In summary, the available evidence is currently insufficient to determine the role of this variant in disease. Therefore, it has been classified as a Variant of Uncertain Significance. Algorithms developed to predict the effect of missense changes on protein structure and function are either unavailable or do not agree on the potential impact of this missense change (SIFT: "Deleterious"; PolyPhen-2: "Probably Damaging"; Align-GVGD: "Class C0"). This variant has not been reported in the literature in individuals with NF1-related conditions. This variant is not present in population databases (ExAC no frequency). This sequence change replaces aspartic acid with alanine at codon 1600 of the NF1 protein (p.Asp1600Ala). The aspartic acid residue is moderately conserved and there is a moderate physicochemical difference between aspartic acid and alanine.

NM_001042492.3(NF1):c.4862A>C (p.Asp1621Ala)

Gene: NF1 (neurofibromin 1; plus strand). Cytogenetic location: 17q11.2.
Variant type: single nucleotide variant.
Coding change: c.4862A>C on transcript NM_001042492.3 (MANE Select); coding-DNA position 4862, A replaced by C.
Protein change: p.Asp1621Ala; replaces aspartic acid 1621 with alanine.
Molecular consequence: missense variant.
Genome position (GRCh38, 1-based): chr17:31,325,846, A>C. VCF-style: chr17-31325846-A-C. GRCh37 (hg19) VCF-style: chr17-29652864-A-C.
Other names: c.4799A>C, p.Asp1600Ala (NM_000267.4); short protein forms D1600A, D1621A.
Identifiers: ClinVar variation 1059119 (VCV001059119.5), dbSNP rs2151537564, ClinGen allele CA399006974.
Genomic context (GRCh38, chr17:31,325,846, plus strand): 5'-TAATAATCTTTGTCTTTTTTGTCATTTTCCTTAGGTTCAAAACTGGTCAAATCAATGGTG[A>C]TTTGCTGATATACCATGTCTTACTGACTTTAAAGCCATATTATGCAAAGCCATATGAAAT-3'
Protein context (NP_001035957.1, residues 1611-1631): RRFKTGQING[Asp1621Ala]LLIYHVLLTL